The following is an entry in ClinVar:

NM_001100913.3(PACS2):c.1414-1G>A

Gene: PACS2 (phosphofurin acidic cluster sorting protein 2; plus strand). Cytogenetic location: 14q32.33.
Variant type: single nucleotide variant.
Coding change: c.1414-1G>A on transcript NM_001100913.3 (MANE Select); the canonical splice acceptor site of the intron before coding-DNA position 1414, G replaced by A.
Molecular consequence: splice acceptor variant.
Genome position (GRCh38, 1-based): chr14:105,382,476, G>A. VCF-style: chr14-105382476-G-A. GRCh37 (hg19) VCF-style: chr14-105848813-G-A.
Other names: c.1177-1G>A (NM_001243127.3); c.1402-1G>A (NM_015197.4).
Identifiers: ClinVar variation 3655467 (VCV003655467.2).

ClinVar aggregate classification (germline): Uncertain significance (1 of 4 stars; one submission).

Submission:

Labcorp Genetics (formerly Invitae), Labcorp
Classification: Uncertain significance. Last evaluated: 2024-06-04. Review status: criteria provided, single submitter. Criteria: Invitae Variant Classification Sherloc (09022015). Collection method: clinical testing. Allele origin: germline.
Comment: This sequence change affects an acceptor splice site in intron 13 of the PACS2 gene. It is expected to disrupt RNA splicing. Variants that disrupt the donor or acceptor splice site typically lead to a loss of protein function (PMID: 16199547), however the current clinical and genetic evidence is not sufficient to establish whether loss-of-function variants in PACS2 cause disease. This variant is not present in population databases (gnomAD no frequency). This variant has not been reported in the literature in individuals affected with PACS2-related conditions. Algorithms developed to predict the effect of sequence changes on RNA splicing suggest that this variant may disrupt the consensus splice site. In summary, the available evidence is currently insufficient to determine the role of this variant in disease. Therefore, it has been classified as a Variant of Uncertain Significance.

Literature cited by the submitters: PubMed 16199547.